The following is an entry in ClinVar:

ClinVar aggregate classification (germline): Uncertain significance (1 of 4 stars; one submission).

Conditions:
MHC class II deficiency. Also called: Bare lymphocyte syndrome 2; BLS, TYPE II. Identifiers: Orphanet 572, MedGen C5447452, MONDO:0008855.

Allele frequency attached by ClinVar (database versions not stated): ExAC 0.00001; gnomAD exomes 0.00001.

Submission:

Labcorp Genetics (formerly Invitae), Labcorp
Classification: Uncertain significance for MHC class II deficiency. Last evaluated: 2021-08-14. Review status: criteria provided, single submitter. Criteria: Invitae Variant Classification Sherloc (09022015). Collection method: clinical testing. Allele origin: germline.
Comment: This sequence change replaces alanine with threonine at codon 661 of the CIITA protein (p.Ala661Thr). The alanine residue is moderately conserved and there is a small physicochemical difference between alanine and threonine. This variant is present in population databases (rs767235099, ExAC 0.002%). This variant has not been reported in the literature in individuals affected with CIITA-related conditions. Algorithms developed to predict the effect of missense changes on protein structure and function are either unavailable or do not agree on the potential impact of this missense change (SIFT: "Tolerated"; PolyPhen-2: "Possibly Damaging"; Align-GVGD: "Class C0"). In summary, the available evidence is currently insufficient to determine the role of this variant in disease. Therefore, it has been classified as a Variant of Uncertain Significance.

NM_000246.4(CIITA):c.1981G>A (p.Ala661Thr)

Gene: CIITA (class II major histocompatibility complex transactivator; plus strand). Cytogenetic location: 16p13.13.
Variant type: single nucleotide variant.
Coding change: c.1981G>A on transcript NM_000246.4 (MANE Select); coding-DNA position 1981, G replaced by A.
Protein change: p.Ala661Thr; replaces alanine 661 with threonine.
Molecular consequence: missense variant. On other transcripts: intron variant (1).
Genome position (GRCh38, 1-based): chr16:10,907,473, G>A. VCF-style: chr16-10907473-G-A. GRCh37 (hg19) VCF-style: chr16-11001330-G-A.
Other names: c.1984G>A, p.Ala662Thr (NM_001286402.1, NM_001379332.1); c.1837G>A, p.Ala613Thr (NM_001379330.1); c.1834G>A, p.Ala612Thr (NM_001379331.1); c.1981G>A, p.Ala661Thr (NM_001379333.1); c.1912G>A, p.Ala638Thr (NM_001379334.1); c.860-1510G>A (NM_001286403.2); short protein forms A612T, A638T, A613T, A661T, A662T.
Identifiers: ClinVar variation 1504361 (VCV001504361.5), dbSNP rs767235099, ClinGen allele CA7900263.